The following is an entry in ClinVar:

NM_006182.4(DDR2):c.476T>C (p.Ile159Thr)

Gene: DDR2 (discoidin domain receptor tyrosine kinase 2; plus strand). Cytogenetic location: 1q23.3.
Variant type: single nucleotide variant.
Coding change: c.476T>C on transcript NM_006182.4 (MANE Select); coding-DNA position 476, T replaced by C.
Protein change: p.Ile159Thr; replaces isoleucine 159 with threonine.
Molecular consequence: missense variant.
Genome position (GRCh38, 1-based): chr1:162,755,214, T>C. VCF-style: chr1-162755214-T-C. GRCh37 (hg19) VCF-style: chr1-162725004-T-C.
Other names: c.476T>C, p.Ile159Thr (LRG_1390t1, NM_001014796.3, NM_001354982.2 and 1 more transcripts); short protein forms I159T.
Identifiers: ClinVar variation 293373 (VCV000293373.9), dbSNP rs145611112, ClinGen allele CA1217257.

ClinVar aggregate classification (germline): Uncertain significance. Review status: criteria provided, multiple submitters, no conflicts (2 of 4 stars). 3 submissions from 3 submitters: Uncertain significance (3). Last evaluated 2026-01-25.

Conditions:
Spondyloepimetaphyseal dysplasia-short limb-abnormal calcification syndrome (SMED-SL). Also called: SMED short limb-hand type; SMED type 2; Spondylometaepiphyseal dysplasia short limb-abnormal calcification type; Smed short limb-abnormal calcification type; Spondylometaepiphyseal dysplasia, short limb-hand type; SMED, TYPE II. Identifiers: Orphanet 93358, MedGen C1849011, MONDO:0010077, OMIM 271665.

Allele frequency attached by ClinVar (database versions not stated): ESP Exome Variant Server 0.00023; gnomAD 0.00024 and 0.00026; TOPMed 0.00031; ExAC 0.00037; gnomAD exomes 0.00037 and 0.00057.
gnomAD v4.1: 876 of 1,614,078 alleles (0.054%); highest among the groups gnomAD compares: South Asian, 0.083%; 1 homozygote.

Submissions (3):

Labcorp Genetics (formerly Invitae), Labcorp
Classification: Uncertain significance. Last evaluated: 2026-01-25. Review status: criteria provided, single submitter. Criteria: Invitae Variant Classification Sherloc (09022015). Collection method: clinical testing. Allele origin: germline.
Comment: This sequence change replaces isoleucine, which is neutral and non-polar, with threonine, which is neutral and polar, at codon 159 of the DDR2 protein (p.Ile159Thr). This variant is present in population databases (rs145611112, gnomAD 0.09%). This variant has not been reported in the literature in individuals affected with DDR2-related conditions. ClinVar contains an entry for this variant (Variation ID: 293373). An algorithm developed to predict the effect of missense changes on protein structure and function (PolyPhen-2) suggests that this variant is likely to be disruptive. In summary, the available evidence is currently insufficient to determine the role of this variant in disease. Therefore, it has been classified as a Variant of Uncertain Significance.

Blueprint Genetics
Classification: Uncertain significance. Last evaluated: 2024-10-17. Review status: criteria provided, single submitter. Criteria: ACMG Guidelines, 2015. Collection method: clinical testing. Allele origin: germline.

Illumina Laboratory Services, Illumina
Classification: Uncertain significance for Spondyloepimetaphyseal dysplasia-short limb-abnormal calcification syndrome. Last evaluated: 2018-01-12. Review status: criteria provided, single submitter. Criteria: ICSL Variant Classification Criteria 13 December 2019. Collection method: clinical testing. Allele origin: germline.